The following is an entry in ClinVar:

NM_000016.6(ACADM):c.1247T>C (p.Ile416Thr)

Gene: ACADM (acyl-CoA dehydrogenase medium chain; plus strand). Cytogenetic location: 1p31.1.
Variant type: single nucleotide variant.
Coding change: c.1247T>C on transcript NM_000016.6 (MANE Select); coding-DNA position 1247, T replaced by C.
Protein change: p.Ile416Thr; replaces isoleucine 416 with threonine.
Molecular consequence: missense variant.
Genome position (GRCh38, 1-based): chr1:75,762,744, T>C. VCF-style: chr1-75762744-T-C. GRCh37 (hg19) VCF-style: chr1-76228429-T-C.
Other names: p.I416T:ATT>ACT; c.1259T>C, p.Ile420Thr (NM_001127328.3); c.1139T>C, p.Ile380Thr (NM_001286042.2); c.1346T>C, p.Ile449Thr (NM_001286043.2); c.680T>C, p.Ile227Thr (NM_001286044.2); short protein forms I416T, I420T, I380T, I227T, I449T.
Identifiers: ClinVar variation 203543 (VCV000203543.24), dbSNP rs760892123, ClinGen allele CA312187.

ClinVar aggregate classification (germline): Conflicting classifications of pathogenicity. Review status: criteria provided, conflicting classifications (1 of 4 stars). 9 submissions from 9 submitters: Pathogenic (1); Likely pathogenic (2); Uncertain significance (5). 1 of the submissions does not count toward it. Last evaluated 2026-03-14.

Conditions:
MCADD - Medium-chain acyl-CoA dehydrogenase deficiency – full ACADM sequencing newborn screening follow up.
Medium-chain acyl-coenzyme A dehydrogenase deficiency (ACADMD). Also called: Medium chain acyl-CoA dehydrogenase deficiency; ACADM DEFICIENCY; CARNITINE DEFICIENCY SECONDARY TO MEDIUM-CHAIN ACYL-CoA DEHYDROGENASE DEFICIENCY; MCAD Deficiency; MCADD; MCADH DEFICIENCY. Identifiers: Orphanet 42, MedGen C0220710, MONDO:0008721, OMIM 201450.

Allele frequency attached by ClinVar (database versions not stated): ExAC 0.00002; gnomAD exomes 0.00002; gnomAD 0.00005 and 0.00006; TOPMed 0.00007.
gnomAD v4.1: 41 of 1,604,486 alleles (0.0026%); highest among the groups gnomAD compares: African/African-American, 0.008%; no homozygotes.

Submissions (9):

Genetics Laboratory, Great Ormond Street Hospital NHS Foundation Trust, North Thames Genomic Laboratory Hub
Classification: Uncertain significance for MCADD - Medium-chain acyl-CoA dehydrogenase deficiency – full ACADM sequencing newborn screening follow up. Last evaluated: 2026-03-14. Review status: criteria provided, single submitter. Criteria: ACGS Best Practice Guidelines for Variant Classification in Rare Disease 2024 v1.2. Collection method: clinical testing. Allele origin: germline. Affected: yes.
Comment: PM2_moderate, PM3_supporting, PP4_moderate

Labcorp Genetics (formerly Invitae), Labcorp
Classification: Pathogenic for Medium-chain acyl-coenzyme A dehydrogenase deficiency. Last evaluated: 2025-09-28. Review status: criteria provided, single submitter. Criteria: Invitae Variant Classification Sherloc (09022015). Collection method: clinical testing. Allele origin: germline.
Comment: This sequence change replaces isoleucine, which is neutral and non-polar, with threonine, which is neutral and polar, at codon 416 of the ACADM protein (p.Ile416Thr). This variant is present in population databases (rs760892123, gnomAD 0.006%). This missense change has been observed in individual(s) with mildly elevated levels of C8 and MCAD deficiency (PMID: 20434380, 23430840, 26947917; internal data). ClinVar contains an entry for this variant (Variation ID: 203543). Invitae Evidence Modeling of protein sequence and biophysical properties (such as structural, functional, and spatial information, amino acid conservation, physicochemical variation, residue mobility, and thermodynamic stability) indicates that this missense variant is expected to disrupt ACADM protein function with a positive predictive value of 95%. Experimental studies have shown that this missense change does not substantially affect ACADM function (PMID: 26947917). For these reasons, this variant has been classified as Pathogenic.

Dasa
Classification: Likely pathogenic. Last evaluated: 2025-09-22. Review status: criteria provided, single submitter. Criteria: DASA Assertion Criteria. Collection method: clinical testing. Allele origin: germline.
Comment: NM_000016.6(ACADM):c.1247T>C (p.Ile416Thr) is a missense variant that results in the substitution of isoleucine with threonine. This variant has been recurrently observed in individuals with ACADM-related disorders (PMID: 20434380; PMID: 23430840; PMID: 26947917; PMID: 27856190; PMID: 38532509). Functional evidence supports an impact on the gene or gene product. Also, this variant is rare in population databases. Based on the currently available evidence, this variant is classified as likely pathogenic.

Women's Health and Genetics/Laboratory Corporation of America, LabCorp
Classification: Likely pathogenic for Medium-chain acyl-coenzyme A dehydrogenase deficiency. Last evaluated: 2025-08-15. Review status: criteria provided, single submitter. Criteria: LabCorp Variant Classification Summary - May 2015. Collection method: clinical testing. Allele origin: germline.
Comment: Variant summary: ACADM c.1247T>C (p.Ile416Thr) results in a non-conservative amino acid change in the encoded protein sequence. Algorithms developed to predict the effect of missense changes on protein structure and function all suggest that this variant is likely to be disruptive. The variant allele was found at a frequency of 2e-05 in 249404 control chromosomes. c.1247T>C has been observed in individual(s) affected with Medium Chain Acyl-CoA Dehydrogenase Deficiency (Smith_2010, Couce_2011, Couce_2013, Hara_2016, Tajima_2016, Adhikari_2020, Weiss_2023). These data indicate that the variant may be associated with disease. At least one publication reports experimental evidence evaluating an impact on protein function (Hara_2016). The most pronounced variant effect results in >50%-90% of normal activity. The following publications have been ascertained in the context of this evaluation (PMID: 20434380, 32778825, 23430840, 23842438, 26947917, 27856190, 31737040, 36840705). ClinVar contains an entry for this variant (Variation ID: 203543). Based on the evidence outlined above, the variant was classified as likely pathogenic.

Revvity Omics, Revvity
Classification: Uncertain significance for Medium-chain acyl-coenzyme A dehydrogenase deficiency. Last evaluated: 2025-01-14. Review status: criteria provided, single submitter. Criteria: ACMG Guidelines, 2015. Collection method: clinical testing. Allele origin: germline.

Blueprint Genetics
Classification: Uncertain significance. Last evaluated: 2023-09-08. Review status: criteria provided, single submitter. Criteria: ACMG Guidelines, 2015. Collection method: clinical testing. Allele origin: germline.

Laboratorio de Genetica e Diagnostico Molecular, Hospital Israelita Albert Einstein
Classification: Uncertain significance. Last evaluated: 2019-11-13. Review status: criteria provided, single submitter. Criteria: ACMG Guidelines, 2015. Collection method: clinical testing. Allele origin: germline. Affected: yes.
Comment: ACMG classification criteria: PS3, PS4, PM2

GeneDx
Classification: Uncertain significance. Last evaluated: 2017-01-19. Review status: criteria provided, single submitter. Criteria: GeneDx Variant Classification (06012015). Collection method: clinical testing. Allele origin: germline. Affected: yes.
Comment: The I416T missense change in the ACADM gene has not been reported as a benign polymorphism. It has been reported previously in three patients detected by positive newborn screening results for medium chain acyl-CoA dehydrogenase (MCAD) deficiency who also harbored the K329E mutation (Smith et al., 2010 Couce et al., 2011). Biochemical analyses on these patients and in-silico analysis of I416T led the authors to conclude that this missense change was a variant of unknown significance. I416T is a non-conservative amino acid change in that a non-polar Isoleucine residue is replaced by a polar Threonine residue. This change occurs at a position that is highly conserved in the ACADM protein in mammals; however, this position is not highly conserved outside mammals or in related proteins. Multiple in-silico analysis models predict that I416T is a benign sequence change. Therefore, based on the currently available information, it is unclear whether I416T is a disease-causing mutation or a rare benign variant. The variant is found in ACADM panel(s).

Counsyl
Classification: Uncertain significance for Medium-chain acyl-coenzyme A dehydrogenase deficiency. Last evaluated: 2018-03-28. Review status: no assertion criteria provided. Collection method: clinical testing. Allele origin: unknown. Not counted in ClinVar's aggregate classification.

Literature cited by the submitters: PubMed 20434380 (cited by 4 submitters); PubMed 23430840 (cited by 4 submitters); PubMed 26947917 (cited by 4 submitters); PubMed 27856190 (cited by Dasa and Women's Health and Genetics/Laboratory Corporation of America, LabCorp); PubMed 38532509 (cited by Dasa); PubMed 32778825 (cited by Women's Health and Genetics/Laboratory Corporation of America, LabCorp); PubMed 23842438 (cited by Women's Health and Genetics/Laboratory Corporation of America, LabCorp); PubMed 31737040 (cited by Women's Health and Genetics/Laboratory Corporation of America, LabCorp); PubMed 36840705 (cited by Women's Health and Genetics/Laboratory Corporation of America, LabCorp).